The following is an entry in ClinVar:

ClinVar aggregate classification (germline): Uncertain significance (1 of 4 stars; one submission).

Allele frequency attached by ClinVar (database versions not stated): TOPMed below 0.00001.

Submission:

Labcorp Genetics (formerly Invitae), Labcorp
Classification: Uncertain significance. Last evaluated: 2021-07-26. Review status: criteria provided, single submitter. Criteria: Invitae Variant Classification Sherloc (09022015). Collection method: clinical testing. Allele origin: germline.
Comment: In summary, the available evidence is currently insufficient to determine the role of this variant in disease. Therefore, it has been classified as a Variant of Uncertain Significance. Algorithms developed to predict the effect of sequence changes on RNA splicing suggest that this variant may create or strengthen a splice site. Algorithms developed to predict the effect of missense changes on protein structure and function (SIFT, PolyPhen-2, Align-GVGD) all suggest that this variant is likely to be tolerated. This variant has not been reported in the literature in individuals affected with PPA2-related conditions. This variant is not present in population databases (ExAC no frequency). This sequence change replaces asparagine with lysine at codon 319 of the PPA2 protein (p.Asn319Lys). The asparagine residue is weakly conserved and there is a moderate physicochemical difference between asparagine and lysine.

NM_176869.3(PPA2):c.957T>G (p.Asn319Lys)

Gene: PPA2 (inorganic pyrophosphatase 2; minus strand). Cytogenetic location: 4q24.
Variant type: single nucleotide variant.
Coding change: c.957T>G on transcript NM_176869.3 (MANE Select); coding-DNA position 957, T replaced by G.
Protein change: p.Asn319Lys; replaces asparagine 319 with lysine.
Molecular consequence: missense variant.
Genome position (GRCh38, 1-based): chr4:105,370,856, A>C on the plus strand (T>G on the coding strand, the complement: PPA2 is on the minus strand). VCF-style: chr4-105370856-A-C. GRCh37 (hg19) VCF-style: chr4-106292013-A-C.
Other names: c.870T>G, p.Asn290Lys (NM_006903.4); c.651T>G, p.Asn217Lys (NM_176866.2); c.459T>G, p.Asn153Lys (NM_176867.3); short protein forms N153K, N290K, N217K, N319K.
Identifiers: ClinVar variation 1416377 (VCV001416377.8), dbSNP rs1732994662, ClinGen allele CA357787526.